The following is an entry in ClinVar:

NM_017617.5(NOTCH1):c.5008G>T (p.Asp1670Tyr)

Gene: NOTCH1 (notch receptor 1; minus strand). Cytogenetic location: 9q34.3.
Variant type: single nucleotide variant.
Coding change: c.5008G>T on transcript NM_017617.5 (MANE Select); coding-DNA position 5008, G replaced by T.
Protein change: p.Asp1670Tyr; replaces aspartic acid 1670 with tyrosine.
Molecular consequence: missense variant.
Genome position (GRCh38, 1-based): chr9:136,504,683, C>A on the plus strand (G>T on the coding strand, the complement: NOTCH1 is on the minus strand). VCF-style: chr9-136504683-C-A. GRCh37 (hg19) VCF-style: chr9-139399135-C-A.
Other names: short protein forms D1670Y.
Identifiers: ClinVar variation 1744744 (VCV001744744.3), dbSNP rs1157456139, ClinGen allele CA375643956.
Genomic context (GRCh38, chr9:136,504,683, plus strand): 5'-GGGCCCAGGAGAGTTGCGGGGATTGACCGTGGGCGCCGGGTCTCACTCACCCGCGGACGT[C>A]CATGGGGTCCAGCTCCCTCCGCCGCCGCCCACCCTCGCTGCCACCAGGGAGCAGCGAGGC-3'
Protein context (NP_060087.3, residues 1660-1680): GRRRRELDPM[Asp1670Tyr]VRGSIVYLEI

ClinVar aggregate classification (germline): Uncertain significance. Review status: criteria provided, multiple submitters, no conflicts (2 of 4 stars). 2 submissions from 2 submitters: Uncertain significance (2). Last evaluated 2024-05-08.

Conditions:
Familial thoracic aortic aneurysm and aortic dissection (TAAD). Also called: Thoracic aortic aneurysms and dissections. Identifiers: Orphanet 91387, MedGen C4707243, MONDO:0019625.

Allele frequency attached by ClinVar (database versions not stated): TOPMed below 0.00001; gnomAD 0.00001.
gnomAD v4.1: 2 of 1,520,784 alleles (0.00013%); highest among the groups gnomAD compares: African/African-American, 0.0014%; no homozygotes.

Submissions (2):

GeneDx
Classification: Uncertain significance. Last evaluated: 2024-05-08. Review status: criteria provided, single submitter. Criteria: GeneDx Variant Classification Process June 2021. Collection method: clinical testing. Allele origin: germline. Affected: yes.
Comment: Not observed at significant frequency in large population cohorts (gnomAD); In silico analysis supports that this missense variant has a deleterious effect on protein structure/function; Has not been previously published as pathogenic or benign to our knowledge; In silico analysis suggests this variant may impact gene splicing. In the absence of RNA/functional studies, the actual effect of this sequence change is unknown.

Ambry Genetics
Classification: Uncertain significance for Familial thoracic aortic aneurysm and aortic dissection. Last evaluated: 2022-02-08. Review status: criteria provided, single submitter. Criteria: Ambry Variant Classification Scheme 2023. Collection method: clinical testing. Allele origin: germline.
Comment: The p.D1670Y variant (also known as c.5008G>T), located in coding exon 26 of the NOTCH1 gene, results from a G to T substitution at nucleotide position 5008. The aspartic acid at codon 1670 is replaced by tyrosine, an amino acid with highly dissimilar properties. This amino acid position is conserved. In addition, the in silico prediction for this alteration is inconclusive. Since supporting evidence is limited at this time, the clinical significance of this alteration remains unclear.